The following is an entry in ClinVar:

NM_004415.4(DSP):c.965A>G (p.Lys322Arg)

Gene: DSP (desmoplakin; plus strand). Cytogenetic location: 6p24.3.
Variant type: single nucleotide variant.
Coding change: c.965A>G on transcript NM_004415.4 (MANE Select); coding-DNA position 965, A replaced by G.
Protein change: p.Lys322Arg; replaces lysine 322 with arginine.
Molecular consequence: missense variant.
Genome position (GRCh38, 1-based): chr6:7,566,402, A>G. VCF-style: chr6-7566402-A-G. GRCh37 (hg19) VCF-style: chr6-7566635-A-G.
Other names: c.965A>G (LRG_423t1); c.965A>G, p.Lys322Arg (NM_001008844.3, NM_001319034.2); short protein forms K322R.
Identifiers: ClinVar variation 628177 (VCV000628177.13), dbSNP rs757098196, ClinGen allele CA053377.

ClinVar aggregate classification (germline): Conflicting classifications of pathogenicity. Review status: criteria provided, conflicting classifications (1 of 4 stars). 3 submissions from 3 submitters: Uncertain significance (2); Likely benign (1). Last evaluated 2024-09-12.

Conditions:
Arrhythmogenic cardiomyopathy with wooly hair and keratoderma. Also called: PALMOPLANTAR KERATODERMA WITH LEFT VENTRICULAR CARDIOMYOPATHY AND WOOLLY HAIR; Carvajal syndrome; Dilated cardiomyopathy with woolly hair and keratoderma; Arrhythmogenic cardiomyopathy with woolly hair and keratoderma. Identifiers: Orphanet 65282, MedGen C1854063, MONDO:0011581, OMIM 605676.
Arrhythmogenic right ventricular dysplasia 8 (ARVD8). Also called: ARRHYTHMOGENIC RIGHT VENTRICULAR DYSPLASIA, FAMILIAL, 8; ARRHYTHMOGENIC RIGHT VENTRICULAR CARDIOMYOPATHY 8; Arrhythmogenic Right Ventricular Dysplasia/Cardiomyopathy 8. Identifiers: MedGen C1843896, MONDO:0011831, OMIM 607450.
Cardiomyopathy (CMYO). Also called: Cardiomyopathies. Identifiers: Orphanet 167848, MedGen C0878544, MONDO:0004994, HP:0001638. Inheritance: Various modes of inheritance.
Cardiovascular phenotype. Identifiers: MedGen CN230736.

Allele frequency attached by ClinVar (database versions not stated): ExAC 0.00001; gnomAD exomes 0.00001.
gnomAD v4.1: 3 of 1,613,942 alleles (0.00019%); highest among the groups gnomAD compares: Admixed American, 0.005%; no homozygotes.

Submissions (3):

Labcorp Genetics (formerly Invitae), Labcorp
Classification: Likely benign for Arrhythmogenic cardiomyopathy with wooly hair and keratoderma; Arrhythmogenic right ventricular dysplasia 8. Last evaluated: 2024-09-12. Review status: criteria provided, single submitter. Criteria: Invitae Variant Classification Sherloc (09022015). Collection method: clinical testing. Allele origin: germline.

Color Diagnostics, LLC DBA Color Health
Classification: Uncertain significance for Cardiomyopathy. Last evaluated: 2024-03-06. Review status: criteria provided, single submitter. Criteria: ACMG Guidelines, 2015. Collection method: clinical testing. Allele origin: germline.
Comment: This missense variant replaces lysine with arginine at codon 322 of the DSP protein. Computational prediction suggests that this variant may not impact protein structure and function (internally defined REVEL score threshold <= 0.5, PMID: 27666373). Splice site prediction tools suggest that this variant may not impact RNA splicing. To our knowledge, functional studies have not been performed for this variant. This variant has not been reported in individuals affected with cardiovascular disorders in the literature. This variant has been identified in 3/250998 chromosomes in the general population by the Genome Aggregation Database (gnomAD). The available evidence is insufficient to determine the role of this variant in disease conclusively. Therefore, this variant is classified as a Variant of Uncertain Significance.

Ambry Genetics
Classification: Uncertain significance for Cardiovascular phenotype. Last evaluated: 2023-05-21. Review status: criteria provided, single submitter. Criteria: Ambry Variant Classification Scheme 2023. Collection method: clinical testing. Allele origin: germline.
Comment: The p.K322R variant (also known as c.965A>G), located in coding exon 8 of the DSP gene, results from an A to G substitution at nucleotide position 965. The lysine at codon 322 is replaced by arginine, an amino acid with highly similar properties. This amino acid position is conserved. In addition, the in silico prediction for this alteration is inconclusive. Since supporting evidence is limited at this time, the clinical significance of this alteration remains unclear.